The following is an entry in ClinVar:

ClinVar aggregate classification (germline): Uncertain significance (1 of 4 stars; one submission).

gnomAD v4.1: 3 of 1,613,298 alleles (0.00019%); highest among the groups gnomAD compares: African/African-American, 0.0013%; no homozygotes.

Submission:

Labcorp Genetics (formerly Invitae), Labcorp
Classification: Uncertain significance. Last evaluated: 2024-12-03. Review status: criteria provided, single submitter. Criteria: Invitae Variant Classification Sherloc (09022015). Collection method: clinical testing. Allele origin: germline.
Comment: This sequence change replaces arginine, which is basic and polar, with glutamine, which is neutral and polar, at codon 273 of the ZCCHC8 protein (p.Arg273Gln). This variant is not present in population databases (gnomAD no frequency). This variant has not been reported in the literature in individuals affected with ZCCHC8-related conditions. Invitae Evidence Modeling of protein sequence and biophysical properties (such as structural, functional, and spatial information, amino acid conservation, physicochemical variation, residue mobility, and thermodynamic stability) indicates that this missense variant is expected to disrupt ZCCHC8 protein function with a positive predictive value of 80%. In summary, the available evidence is currently insufficient to determine the role of this variant in disease. Therefore, it has been classified as a Variant of Uncertain Significance.

NM_017612.5(ZCCHC8):c.818G>A (p.Arg273Gln)

Gene: ZCCHC8 (zinc finger CCHC-type containing 8; minus strand). Cytogenetic location: 12q24.31.
Variant type: single nucleotide variant.
Coding change: c.818G>A on transcript NM_017612.5 (MANE Select); coding-DNA position 818, G replaced by A.
Protein change: p.Arg273Gln; replaces arginine 273 with glutamine.
Molecular consequence: missense variant.
Genome position (GRCh38, 1-based): chr12:122,482,002, C>T on the plus strand (G>A on the coding strand, the complement: ZCCHC8 is on the minus strand). VCF-style: chr12-122482002-C-T. GRCh37 (hg19) VCF-style: chr12-122966549-C-T.
Other names: c.587G>A, p.Arg196Gln (NM_001350935.2); c.521G>A, p.Arg174Gln (NM_001350936.2); c.104G>A, p.Arg35Gln (NM_001350937.2, NM_001350938.2); short protein forms R174Q, R196Q, R273Q, R35Q.
Identifiers: ClinVar variation 3603898 (VCV003603898.2).